The following is an entry in ClinVar:

ClinVar aggregate classification (germline): Uncertain significance (1 of 4 stars; one submission).

Submission:

Labcorp Genetics (formerly Invitae), Labcorp
Classification: Uncertain significance. Last evaluated: 2022-06-04. Review status: criteria provided, single submitter. Criteria: Invitae Variant Classification Sherloc (09022015). Collection method: clinical testing. Allele origin: germline.
Comment: This sequence change replaces valine, which is neutral and non-polar, with alanine, which is neutral and non-polar, at codon 127 of the PEX3 protein (p.Val127Ala). This variant is not present in population databases (gnomAD no frequency). This variant has not been reported in the literature in individuals affected with PEX3-related conditions. ClinVar contains an entry for this variant (Variation ID: 1478509). Algorithms developed to predict the effect of missense changes on protein structure and function are either unavailable or do not agree on the potential impact of this missense change (SIFT: "Deleterious"; PolyPhen-2: "Benign"; Align-GVGD: "Class C25"). In summary, the available evidence is currently insufficient to determine the role of this variant in disease. Therefore, it has been classified as a Variant of Uncertain Significance.

NM_003630.3(PEX3):c.380T>C (p.Val127Ala)

Gene: PEX3 (peroxisomal biogenesis factor 3; plus strand). Cytogenetic location: 6q24.2.
Variant type: single nucleotide variant.
Coding change: c.380T>C on transcript NM_003630.3 (MANE Select); coding-DNA position 380, T replaced by C.
Protein change: p.Val127Ala; replaces valine 127 with alanine.
Molecular consequence: missense variant.
Genome position (GRCh38, 1-based): chr6:143,471,009, T>C. VCF-style: chr6-143471009-T-C. GRCh37 (hg19) VCF-style: chr6-143792146-T-C.
Other names: short protein forms V127A.
Identifiers: ClinVar variation 1478509 (VCV001478509.6), dbSNP rs2128746669, ClinGen allele CA365909776.